The following is an entry in ClinVar:

ClinVar aggregate classification (germline): Conflicting classifications of pathogenicity. Review status: criteria provided, conflicting classifications (1 of 4 stars). 2 submissions from 2 submitters: Uncertain significance (1); Likely benign (1). Last evaluated 2022-04-19.

Conditions:
Inborn genetic diseases. Identifiers: MedGen C0950123, MeSH D030342.

Allele frequency attached by ClinVar (database versions not stated): ExAC 0.00001; gnomAD exomes 0.00002; gnomAD 0.00003 and 0.00004; TOPMed 0.00003.
gnomAD v4.1: 37 of 1,613,188 alleles (0.0023%); highest among the groups gnomAD compares: African/African-American, 0.0027%; no homozygotes.

Submissions (2):

Labcorp Genetics (formerly Invitae), Labcorp
Classification: Uncertain significance. Last evaluated: 2022-04-19. Review status: criteria provided, single submitter. Criteria: Invitae Variant Classification Sherloc (09022015). Collection method: clinical testing. Allele origin: germline.
Comment: This sequence change replaces arginine, which is basic and polar, with glutamine, which is neutral and polar, at codon 296 of the GPAA1 protein (p.Arg296Gln). This variant is present in population databases (rs782195029, gnomAD 0.01%). This variant has not been reported in the literature in individuals affected with GPAA1-related conditions. Algorithms developed to predict the effect of missense changes on protein structure and function output the following: SIFT: "Tolerated"; PolyPhen-2: "Benign"; Align-GVGD: "Class C0". The glutamine amino acid residue is found in multiple mammalian species, which suggests that this missense change does not adversely affect protein function. Algorithms developed to predict the effect of sequence changes on RNA splicing suggest that this variant may create or strengthen a splice site. In summary, the available evidence is currently insufficient to determine the role of this variant in disease. Therefore, it has been classified as a Variant of Uncertain Significance.

Ambry Genetics
Classification: Likely benign for Inborn genetic diseases. Last evaluated: 2022-01-04. Review status: criteria provided, single submitter. Criteria: Ambry Variant Classification Scheme 2023. Collection method: clinical testing. Allele origin: germline.

NM_003801.4(GPAA1):c.887G>A (p.Arg296Gln)

Gene: GPAA1 (glycosylphosphatidylinositol anchor attachment 1; plus strand). Cytogenetic location: 8q24.3.
Variant type: single nucleotide variant.
Coding change: c.887G>A on transcript NM_003801.4 (MANE Select); coding-DNA position 887, G replaced by A.
Protein change: p.Arg296Gln; replaces arginine 296 with glutamine.
Molecular consequence: missense variant.
Genome position (GRCh38, 1-based): chr8:144,084,486, G>A. VCF-style: chr8-144084486-G-A. GRCh37 (hg19) VCF-style: chr8-145139389-G-A.
Other names: c.887G>A (NM_003801.3); short protein forms R296Q.
Identifiers: ClinVar variation 1471836 (VCV001471836.7), dbSNP rs782195029, ClinGen allele CA4932963.